The following is an entry in ClinVar:

NM_001082971.2(DDC):c.858C>G (p.His286Gln)

Gene: DDC (dopa decarboxylase; minus strand). Cytogenetic location: 7p12.2.
Variant type: single nucleotide variant.
Coding change: c.858C>G on transcript NM_001082971.2 (MANE Select); coding-DNA position 858, C replaced by G.
Protein change: p.His286Gln; replaces histidine 286 with glutamine.
Molecular consequence: missense variant.
Genome position (GRCh38, 1-based): chr7:50,499,166, G>C on the plus strand (C>G on the coding strand, the complement: DDC is on the minus strand). VCF-style: chr7-50499166-G-C. GRCh37 (hg19) VCF-style: chr7-50566864-G-C.
Other names: c.858C>G, p.His286Gln (NM_000790.4, NM_001242890.2); c.744C>G, p.His248Gln (NM_001242886.2); c.714C>G, p.His238Gln (NM_001242887.2); c.624C>G, p.His208Gln (NM_001242888.2); c.579C>G, p.His193Gln (NM_001242889.2); short protein forms H208Q, H193Q, H248Q, H238Q, H286Q.
Identifiers: ClinVar variation 2060478 (VCV002060478.4), dbSNP rs1442061378, ClinGen allele CA367538230.
Genomic context (GRCh38, chr7:50,499,166, plus strand): 5'-CACTGTGAAAACAGCCTTAGGGAGAGCGAAGGGTGCACCTACCTCCACTCCATTCAGAAG[G>C]TGCCGGAACTCAGGGCAGATGAATGCACTGCCTGCGTAGGCTGCATCAACGTGCAGCCAT-3'
Protein context (NP_001076440.2, residues 276-296): GSAFICPEFR[His286Gln]LLNGVEFADS

ClinVar aggregate classification (germline): Uncertain significance (1 of 4 stars; one submission).

Conditions:
Deficiency of aromatic-L-amino-acid decarboxylase. Also called: Aromatic L-Amino Acid Decarboxylase Deficiency; DDC DEFICIENCY; DOPA DECARBOXYLASE DEFICIENCY; Aromatic amino acid decarboxylase deficiency; AADC DEFICIENCY. Identifiers: Orphanet 35708, MedGen C1291564, MONDO:0012084, OMIM 608643.

gnomAD v4.1: 1 of 1,613,842 alleles (0.000062%); highest among the groups gnomAD compares: Non-Finnish European, 0.000085%; no homozygotes.

Submission:

Labcorp Genetics (formerly Invitae), Labcorp
Classification: Uncertain significance for Deficiency of aromatic-L-amino-acid decarboxylase. Last evaluated: 2021-12-25. Review status: criteria provided, single submitter. Criteria: Invitae Variant Classification Sherloc (09022015). Collection method: clinical testing. Allele origin: germline.
Comment: This sequence change replaces histidine, which is basic and polar, with glutamine, which is neutral and polar, at codon 286 of the DDC protein (p.His286Gln). This variant is not present in population databases (gnomAD no frequency). This variant has not been reported in the literature in individuals affected with DDC-related conditions. Algorithms developed to predict the effect of missense changes on protein structure and function are either unavailable or do not agree on the potential impact of this missense change (SIFT: "Deleterious"; PolyPhen-2: "Benign"; Align-GVGD: "Class C0"). Algorithms developed to predict the effect of sequence changes on RNA splicing suggest that this variant may create or strengthen a splice site. In summary, the available evidence is currently insufficient to determine the role of this variant in disease. Therefore, it has been classified as a Variant of Uncertain Significance.